The following is an entry in ClinVar:

ClinVar aggregate classification (germline): Benign (3 of 4 stars; one submission).

Conditions:
Breast-ovarian cancer, familial, susceptibility to, 1 (BROVCA1). Also called: OVARIAN CANCER, SUSCEPTIBILITY TO; BRCA1 Hereditary Breast and Ovarian Cancer. Identifiers: Orphanet 145, MedGen C2676676, MONDO:0011450, OMIM 604370. Disease mechanism: loss of function.

Allele frequency attached by ClinVar (database versions not stated): gnomAD 0.01638 and 0.01524; TOPMed 0.01758; 1000 Genomes Project 30x 0.01671; 1000 Genomes Project 0.01617.
gnomAD v4.1: 2,298 of 152,338 alleles (1.5%); highest among the groups gnomAD compares: African/African-American, 5.2%; 62 homozygotes.

Submission:

Evidence-based Network for the Interpretation of Germline Mutant Alleles (ENIGMA)
Classification: Benign for Breast-ovarian cancer, familial 1. Last evaluated: 2015-01-12. Review status: reviewed by expert panel. Criteria: ENIGMA BRCA1/2 Classification Criteria (2015). Collection method: curation. Allele origin: germline.
Comment: Class 1 not pathogenic based on frequency >1% in an outbred sampleset. Frequency 0.08 (African), derived from 1000 genomes (2012-04-30).

NM_007294.3(BRCA1):c.-1465G>A

Genes: NBR2 (neighbor of BRCA1 lncRNA 2; plus strand), BRCA1 (BRCA1 DNA repair associated; minus strand), LOC111589215 (BRCA1 promoter region; plus strand). Cytogenetic location: 17q21.31.
Variant type: single nucleotide variant.
Coding change: c.-1465G>A on transcript NM_007294.3; 1465 bases upstream of the start codon, G replaced by A.
Molecular consequence: intron variant (on NM_001408458.1).
Genome position (GRCh38, 1-based): chr17:43,126,716, C>T on the plus strand (G>A on the coding strand, the complement: BRCA1 is on the minus strand). VCF-style: chr17-43126716-C-T. GRCh37 (hg19) VCF-style: chr17-41278733-C-T.
Other names: -1346 G>A; c.-61-10937G>A (NM_001408458.1).
Identifiers: ClinVar variation 209585 (VCV000209585.3), dbSNP rs36221744, ClinGen allele CA276554.